The following is an entry in ClinVar:

NM_001267550.2(TTN):c.10046C>T (p.Thr3349Ile)

Gene: TTN (titin; minus strand). Cytogenetic location: 2q31.2.
Variant type: single nucleotide variant.
Coding change: c.10046C>T on transcript NM_001267550.2 (MANE Select); coding-DNA position 10046, C replaced by T.
Protein change: p.Thr3349Ile; replaces threonine 3349 with isoleucine.
Molecular consequence: missense variant.
Genome position (GRCh38, 1-based): chr2:178,764,245, G>A on the plus strand (C>T on the coding strand, the complement: TTN is on the minus strand). VCF-style: chr2-178764245-G-A. GRCh37 (hg19) VCF-style: chr2-179628972-G-A.
Other names: p.T3349I:ACC>ATC; c.9908C>T, p.Thr3303Ile (NM_003319.4, NM_133432.3, NM_133437.4); c.10046C>T, p.Thr3349Ile (NM_133379.5, NM_001256850.1, NM_133378.4); short protein forms T3349I, T3303I.
Identifiers: ClinVar variation 166290 (VCV000166290.21), dbSNP rs727503678, ClinGen allele CA179180.

ClinVar aggregate classification (germline): Conflicting classifications of pathogenicity. Review status: criteria provided, conflicting classifications (1 of 4 stars). 9 submissions from 9 submitters: Uncertain significance (7); Likely benign (1). 1 of the submissions does not count toward it. Last evaluated 2026-03-31.

Conditions:
Cardiovascular phenotype. Identifiers: MedGen CN230736.
TTN-related disorder. Also called: TTN-related disorders; TTN-related condition; TTN-related disease.
Dilated cardiomyopathy 1G (CMD1G). Identifiers: Orphanet 154, MedGen C1858763, MONDO:0011400, OMIM 604145.
Autosomal recessive limb-girdle muscular dystrophy type 2J (LGMDR10). Also called: Limb-girdle muscular dystrophy, type 2J; MUSCULAR DYSTROPHY, LIMB-GIRDLE, AUTOSOMAL RECESSIVE 10. Identifiers: Orphanet 140922, MedGen C1837342, MONDO:0012127, OMIM 608807.
Hypertrophic cardiomyopathy 9. Also called: Familial hypertrophic cardiomyopathy 9. Identifiers: MedGen C1861065, MONDO:0013412, OMIM 613765.
Myopathy, myofibrillar, 9, with early respiratory failure (MFM9). Also called: Hereditary myopathy with early respiratory failure; MYOPATHY, PROXIMAL, WITH EARLY RESPIRATORY MUSCLE INVOLVEMENT; EDSTROM MYOPATHY; Myopathy, distal, with early respiratory failure, autosomal dominant. Identifiers: Orphanet 178464, Orphanet 34521, MedGen C1863599, MONDO:0011362, OMIM 603689.
Tibial muscular dystrophy (TMD). Also called: UDD MYOPATHY; Tibial muscular dystrophy, tardive; Udd Distal Myopathy – Tibial Muscular Dystrophy. Identifiers: Orphanet 609, MedGen C1838244, MONDO:0010870, OMIM 600334.
Early-onset myopathy with fatal cardiomyopathy (CMYO5). Also called: CONGENITAL MYOPATHY 5 WITH CARDIOMYOPATHY; Salih Myopathy. Identifiers: Orphanet 289377, MedGen C2673677, MONDO:0012714, OMIM 611705. Disease mechanism: loss of function.

Allele frequency attached by ClinVar (database versions not stated): gnomAD 0.00003; gnomAD exomes 0.00003; TOPMed 0.00012.
gnomAD v4.1: 58 of 1,614,006 alleles (0.0036%); highest among the groups gnomAD compares: Admixed American, 0.095%; no homozygotes.

Submissions (9):

PreventionGenetics, part of Exact Sciences
Classification: Uncertain significance for TTN-related condition. Last evaluated: 2026-03-31. Review status: criteria provided, single submitter. Criteria: ACMG Guidelines, 2015. Collection method: clinical testing. Allele origin: germline.
Comment: The TTN c.10046C>T variant is predicted to result in the amino acid substitution p.Thr3349Ile. To our knowledge, this variant has not been reported in the literature. This variant is reported in 0.12% of alleles in individuals of Latino descent in gnomAD. Although we suspect that this variant may be benign, at this time, the clinical significance of this variant is uncertain due to the absence of conclusive functional and genetic evidence.

CeGaT Center for Human Genetics Tuebingen
Classification: Uncertain significance. Last evaluated: 2025-11-01. Review status: criteria provided, single submitter. Criteria: CeGaT Center For Human Genetics Tuebingen Variant Classification Criteria Version 2. Collection method: clinical testing. Allele origin: germline. Affected: yes. Observed: 1 variant allele.
Comment: TTN: PM2, BP4

Women's Health and Genetics/Laboratory Corporation of America, LabCorp
Classification: Uncertain significance. Last evaluated: 2024-10-07. Review status: criteria provided, single submitter. Criteria: LabCorp Variant Classification Summary - May 2015. Collection method: clinical testing. Allele origin: germline.
Comment: Variant summary: TTN c.10046C>T (p.Thr3349Ile) results in a non-conservative amino acid change in the encoded protein sequence. Three of five in-silico tools predict a benign effect of the variant on protein function. The variant allele was found at a frequency of 0.00017 in 251236 control chromosomes. This frequency is not significantly higher than estimated for a pathogenic variant in TTN causing Dilated Cardiomyopathy (0.00017 vs 0.00039), allowing no conclusion about variant significance. To our knowledge, no occurrence of c.10046C>T in individuals affected with Dilated Cardiomyopathy and no experimental evidence demonstrating its impact on protein function have been reported. ClinVar contains an entry for this variant (Variation ID: 166290). Based on the evidence outlined above, the variant was classified as uncertain significance.

Revvity Omics, Revvity
Classification: Likely benign. Last evaluated: 2024-06-24. Review status: criteria provided, single submitter. Criteria: ACMG Guidelines, 2015. Collection method: clinical testing. Allele origin: germline.

Fulgent Genetics
Classification: Uncertain significance for Tibial muscular dystrophy; Myopathy, myofibrillar, 9, with early respiratory failure; Dilated cardiomyopathy 1G; Autosomal recessive limb-girdle muscular dystrophy type 2J; Early-onset myopathy with fatal cardiomyopathy; Hypertrophic cardiomyopathy 9. Last evaluated: 2021-11-10. Review status: criteria provided, single submitter. Criteria: ACMG Guidelines, 2015. Collection method: clinical testing. Allele origin: unknown.

Ambry Genetics
Classification: Uncertain significance for Cardiovascular phenotype. Last evaluated: 2019-03-11. Review status: criteria provided, single submitter. Criteria: Ambry Variant Classification Scheme 2023. Collection method: clinical testing. Allele origin: germline.
Comment: The p.T3303I variant (also known as c.9908C>T), located in coding exon 41 of the TTN gene, results from a C to T substitution at nucleotide position 9908. The threonine at codon 3303 is replaced by isoleucine, an amino acid with similar properties. This amino acid position is not well conserved in available vertebrate species. In addition, this alteration is predicted to be tolerated by in silico analysis. Since supporting evidence is limited at this time, the clinical significance of this alteration remains unclear.

Labcorp Genetics (formerly Invitae), Labcorp
Classification: Uncertain significance for Dilated cardiomyopathy 1G; Autosomal recessive limb-girdle muscular dystrophy type 2J. Last evaluated: 2017-07-27. Review status: criteria provided, single submitter. Criteria: Invitae Variant Classification Sherloc (09022015). Collection method: clinical testing. Allele origin: germline.

Laboratory for Molecular Medicine, Mass General Brigham Personalized Medicine
Classification: Uncertain significance. Last evaluated: 2014-04-16. Review status: criteria provided, single submitter. Criteria: LMM Criteria. Collection method: clinical testing. Allele origin: germline. Observed: 1 variant allele.
Comment: The Thr3349Ile variant in TTN has not been reported in individuals with cardiomy opathy or in large population studies. Computational prediction tools and conser vation analysis do not provide strong support for or against an impact to the pr otein. Additional information is needed to fully assess the clinical significan ce of the variant.

GeneDx
No classification provided. Last evaluated: 2014-05-28. Review status: no classification provided. Criteria: GeneDx Variant Classification (06012015). Collection method: clinical testing. Allele origin: germline. Affected: yes. Not counted in ClinVar's aggregate classification.
Comment: Missense variants in the TTN gene are considered 'unclassified' if they are not previously reported in the literature and do not have >1% frequency in the population to be considered a polymorphism. Research indicates that truncating mutations in the TTN gene are expected to account for approximately 25% of familial and 18% of sporadic idiopathic DCM; however, truncating variants in the TTN gene have been reported in approximately 3% of reported control alleles. There has been little investigation into non-truncating variants. (Herman D et al. Truncations of titin causing dilated cardiomyopathy. N Eng J Med 366:619-628, 2012) The variant is found in CARDIOMYOPATHY panel(s).